The following is an entry in ClinVar:

ClinVar aggregate classification (germline): Uncertain significance (1 of 4 stars; one submission).

Conditions:
Autoimmune lymphoproliferative syndrome type 1. Also called: AUTOIMMUNE LYMPHOPROLIFERATIVE SYNDROME, TYPE I, AUTOSOMAL DOMINANT. Identifiers: Orphanet 3261, MedGen C2717884, MONDO:0011158, OMIM 601859.

Allele frequency attached by ClinVar (database versions not stated): gnomAD exomes 0.00001.
gnomAD v4.1: 10 of 1,614,184 alleles (0.00062%); highest among the groups gnomAD compares: Non-Finnish European, 0.00085%; no homozygotes.

Submission:

Labcorp Genetics (formerly Invitae), Labcorp
Classification: Uncertain significance for Autoimmune lymphoproliferative syndrome. Last evaluated: 2022-05-19. Review status: criteria provided, single submitter. Criteria: Invitae Variant Classification Sherloc (09022015). Collection method: clinical testing. Allele origin: germline.
Comment: This sequence change replaces tyrosine, which is neutral and polar, with cysteine, which is neutral and slightly polar, at codon 218 of the FASLG protein (p.Tyr218Cys). This variant is not present in population databases (gnomAD no frequency). This variant has not been reported in the literature in individuals affected with FASLG-related conditions. Algorithms developed to predict the effect of missense changes on protein structure and function are either unavailable or do not agree on the potential impact of this missense change (SIFT: "Tolerated"; PolyPhen-2: "Probably Damaging"; Align-GVGD: "Class C0"). In summary, the available evidence is currently insufficient to determine the role of this variant in disease. Therefore, it has been classified as a Variant of Uncertain Significance.

NM_000639.3(FASLG):c.653A>G (p.Tyr218Cys)

Gene: FASLG (Fas ligand; plus strand). Cytogenetic location: 1q24.3.
Variant type: single nucleotide variant.
Coding change: c.653A>G on transcript NM_000639.3 (MANE Select); coding-DNA position 653, A replaced by G.
Protein change: p.Tyr218Cys; replaces tyrosine 218 with cysteine.
Molecular consequence: missense variant. On other transcripts: 3 prime UTR variant (1).
Genome position (GRCh38, 1-based): chr1:172,665,823, A>G. VCF-style: chr1-172665823-A-G. GRCh37 (hg19) VCF-style: chr1-172634963-A-G.
Other names: c.*223A>G (NM_001302746.2); short protein forms Y218C.
Identifiers: ClinVar variation 1996327 (VCV001996327.4), dbSNP rs2527597641, ClinGen allele CA343806327.